The following is an entry in ClinVar:

ClinVar aggregate classification (germline): Benign. Review status: reviewed by expert panel (3 of 4 stars). 15 submissions from 15 submitters: Benign (1). 14 of the submissions do not count toward it. Last evaluated 2015-08-10.

Conditions:
Hereditary cancer-predisposing syndrome. Also called: Tumor predisposition; Neoplastic Syndromes, Hereditary; Hereditary Cancer Syndrome; Hereditary neoplastic syndrome. Identifiers: Orphanet 140162, MedGen C0027672, MeSH D009386, MONDO:0015356.
Hereditary breast ovarian cancer syndrome. Also called: Hereditary breast and ovarian cancer syndrome (HBOC); Hereditary breast and ovarian cancer syndrome; Hereditary breast and ovarian cancer; Hereditary breast and/or ovarian cancer syndrome; Breast and ovarian cancer; BRCA1- and BRCA2-Associated Hereditary Breast and Ovarian Cancer. Identifiers: Orphanet 145, MedGen C0677776, MeSH D061325, MONDO:0003582. Disease mechanism: loss of function.
Breast-ovarian cancer, familial, susceptibility to, 1 (BROVCA1). Also called: OVARIAN CANCER, SUSCEPTIBILITY TO; BRCA1 Hereditary Breast and Ovarian Cancer. Identifiers: Orphanet 145, MedGen C2676676, MONDO:0011450, OMIM 604370. Disease mechanism: loss of function.
Malignant tumor of breast. Also called: Malignant breast neoplasm; Cancer breast. Identifiers: MedGen C0006142, MONDO:0007254. Disease mechanism: loss of function.

Allele frequency attached by ClinVar (database versions not stated): gnomAD 0.00004; ExAC 0.00005; gnomAD exomes 0.00005 and 0.00010; TOPMed 0.00007.
gnomAD v4.1: 91 of 1,613,662 alleles (0.0056%); highest among the groups gnomAD compares: Admixed American, 0.025%; no homozygotes.

Submissions 1 to 14 of 15:

Evidence-based Network for the Interpretation of Germline Mutant Alleles (ENIGMA)
Classification: Benign for Breast-ovarian cancer, familial 1. Last evaluated: 2015-08-10. Review status: reviewed by expert panel. Criteria: ENIGMA BRCA1/2 Classification Criteria (2015). Collection method: curation. Allele origin: germline.
Comment: IARC class based on posterior probability from multifactorial likelihood analysis, thresholds for class as per Plon et al. 2008 (PMID: 18951446). Class 1 based on posterior probability = 0.00000103

Labcorp Genetics (formerly Invitae), Labcorp
Classification: Benign for Hereditary breast ovarian cancer syndrome. Last evaluated: 2026-01-26. Review status: criteria provided, single submitter. Criteria: Invitae Variant Classification Sherloc (09022015). Collection method: clinical testing. Allele origin: germline. Not counted in ClinVar's aggregate classification.

Blueprint Genetics
Classification: Likely benign. Last evaluated: 2024-07-11. Review status: criteria provided, single submitter. Criteria: ACMG Guidelines, 2015. Collection method: clinical testing. Allele origin: germline. Not counted in ClinVar's aggregate classification.

Sema4
Classification: Likely benign for Hereditary cancer-predisposing syndrome. Last evaluated: 2021-08-03. Review status: criteria provided, single submitter. Criteria: Sema4 Curation Guidelines. Collection method: curation. Allele origin: germline. Not counted in ClinVar's aggregate classification.

ARUP Laboratories, Molecular Genetics and Genomics, ARUP Laboratories
Classification: Likely benign. Last evaluated: 2017-11-06. Review status: criteria provided, single submitter. Criteria: ARUP Molecular Germline Variant Investigation Process. Collection method: clinical testing. Allele origin: germline. Not counted in ClinVar's aggregate classification.
Comment: The BRCA1 c.425C>A; p.Pro142His variant is published in the medical literature as having a low probability of pathogenicity (Chenevix-Trench 2006, Lindor 2012). The variant is listed in the ClinVar database (Variation ID: 41823) as benign or likely benign by the majority of submitters. The variant is listed in the dbSNP variant database (rs55971303) and in the Genome Aggregation Database in 25/276378 alleles. The proline at this position is moderately conserved across species, with at least one mammal with a serine at this position. Additionally, functional studies show this variant can function as the wild type protein (Bouwman 2013). Considering available information, this variant is classified as likely benign. References: Bouwman P et al. A high-throughput functional complementation assay for classification of BRCA1 missense variants. Cancer Discov. 2013 Oct;3(10):1142-55. Chenevix-Trench G et al. Genetic and histopathologic evaluation of BRCA1 and BRCA2 DNA sequence variants of unknown clinical significance. Cancer Res. 2006 Feb 15;66(4):2019-27. Lindor NM et al. A review of a multifactorial probability-based model for classification of BRCA1 and BRCA2 variants of uncertain significance (VUS). Hum Mutat. 2012 Jan;33(1):8-21.

GeneDx
Classification: Benign. Last evaluated: 2017-07-11. Review status: criteria provided, single submitter. Criteria: GeneDx Variant Classification (06012015). Collection method: clinical testing. Allele origin: germline. Affected: yes. Not counted in ClinVar's aggregate classification.
Comment: This variant is considered likely benign or benign based on one or more of the following criteria: it is a conservative change, it occurs at a poorly conserved position in the protein, it is predicted to be benign by multiple in silico algorithms, and/or has population frequency not consistent with disease.

Color Diagnostics, LLC DBA Color Health
Classification: Benign for Hereditary cancer-predisposing syndrome. Last evaluated: 2016-05-02. Review status: criteria provided, single submitter. Criteria: ACMG Guidelines, 2015. Collection method: clinical testing. Allele origin: germline. Not counted in ClinVar's aggregate classification.

Molecular Genetics Laboratory, University of Michigan
Classification: Likely benign for Breast-ovarian cancer, familial, susceptibility to, 1. Last evaluated: 2016-04-21. Review status: criteria provided, single submitter. Criteria: ACMG Guidelines, 2015. Collection method: clinical testing. Allele origin: germline. Affected: yes. Not counted in ClinVar's aggregate classification.

Women's Health and Genetics/Laboratory Corporation of America, LabCorp
Classification: Likely benign. Last evaluated: 2016-03-16. Review status: criteria provided, single submitter. Criteria: LabCorp Variant Classification Summary - May 2015. Collection method: clinical testing. Allele origin: germline. Not counted in ClinVar's aggregate classification.
Comment: Variant summary: The c.425C>A variant affects a non-conserved nucleotide, resulting in amino acid change from Pro to His. 3/4 in-silico tools predict this variant to be damaging. This variant was found in 7/122892 control chromosomes from the large and broad populations from ExAC at a frequency of 0.000057, which is lower that the maximal expected frequency of a pathogenic allele (0.0010005) in this gene. The variant has been reported in multiple patients with breast and/or ovarian cancer without strong evidence for causality. The variant is found to co-occur with other deleterious variants in BRCA1/2 including its presence in trans with a known pathogenic variant BRCA1 187delAG aka c.68_69delAG (Judkins_2005/BIC) and BRCA2 c.5576_5579delTTAA (UMD), a very strong evidence that the variant should be benign. Although drug sensitivity, E2 interaction, and homology-directed recombination (HDR) assays were normal, single-strand annealing (SSA) was impaired (Bouwman_2013,Towler_2013, Wei_2008, Morris_2006). Multiple clinical laboratories as well as reputable databases have classified this variant as benign/likely benign. Multifactorial probability based model also shows the variant to be benign (Lindor_2012, Easton_2007). Taken together, this variant has been classified as Likely Benign.

Ambry Genetics
Classification: Benign for Hereditary cancer-predisposing syndrome. Last evaluated: 2014-11-18. Review status: criteria provided, single submitter. Criteria: Ambry Variant Classification Scheme 2023. Collection method: clinical testing. Allele origin: germline. Not counted in ClinVar's aggregate classification.

Eurofins Ntd Llc (ga)
Classification: Uncertain significance. Last evaluated: 2014-09-04. Review status: criteria provided, single submitter. Criteria: EGL Classification Definitions 2015. Collection method: clinical testing. Allele origin: germline. Not counted in ClinVar's aggregate classification.

Biesecker Lab/Clinical Genomics Section, National Institutes of Health
Classification: Uncertain significance. Last evaluated: 2012-07-13. Review status: no assertion criteria provided. Collection method: research. Allele origin: germline. Affected: no. Observed: 1 variant allele. Study: ClinSeq. Not counted in ClinVar's aggregate classification.
ClinVar note: Converted during submission from variant of unknown significance to Uncertain significance.

Sharing Clinical Reports Project (SCRP)
Classification: Benign for Breast-ovarian cancer, familial 1. Last evaluated: 2006-06-23. Review status: no assertion criteria provided. Collection method: clinical testing. Allele origin: germline. Not counted in ClinVar's aggregate classification.

Breast Cancer Information Core (BIC) (BRCA1)
Classification: Uncertain significance for Breast-ovarian cancer, familial 1. Last evaluated: 2002-05-29. Review status: no assertion criteria provided. Collection method: clinical testing. Allele origin: germline. Affected: yes. Observed: 12 variant alleles. Not counted in ClinVar's aggregate classification.

NM_007294.4(BRCA1):c.425C>A (p.Pro142His)

Gene: BRCA1 (BRCA1 DNA repair associated; minus strand). Cytogenetic location: 17q21.31.
Variant type: single nucleotide variant.
Coding change: c.425C>A on transcript NM_007294.4 (MANE Select); coding-DNA position 425, C replaced by A.
Protein change: p.Pro142His; replaces proline 142 with histidine.
Molecular consequence: missense variant. On other transcripts: non-coding transcript variant (1).
Genome position (GRCh38, 1-based): chr17:43,104,138, G>T on the plus strand (C>A on the coding strand, the complement: BRCA1 is on the minus strand). VCF-style: chr17-43104138-G-T. GRCh37 (hg19) VCF-style: chr17-41256155-G-T.
Other names: p.P142H:CCC>CAC; 544C>A; c.284C>A, p.Pro95His (NM_001407849.1, NM_001407850.1, NM_001407851.1 and 99 more transcripts); c.215C>A, p.Pro72His (NM_001407853.1, NM_001407879.1, NM_001407881.1 and 58 more transcripts); c.425C>A, p.Pro142His (NM_001407854.1, NM_001407858.1, NM_001407859.1 and 165 more transcripts); c.347C>A, p.Pro116His (NM_001407862.1, NM_001407874.1, NM_001407875.1 and 21 more transcripts); c.44C>A, p.Pro15His (NM_001407959.1, NM_001407960.1, NM_001407962.1 and 4 more transcripts); c.416C>A, p.Pro139His (NM_001408408.1, NM_001407646.1, NM_001407647.1); and 1 more; short protein forms P142H, P95H, P116H, P139H, P15H, P72H, P98H.
Identifiers: ClinVar variation 41823 (VCV000041823.33), dbSNP rs55971303, ClinGen allele CA002738.